The following is an entry in ClinVar:

NM_004004.6(GJB2):c.53C>T (p.Thr18Ile)

Gene: GJB2 (gap junction protein beta 2; minus strand). Cytogenetic location: 13q12.11.
Variant type: single nucleotide variant.
Coding change: c.53C>T on transcript NM_004004.6 (MANE Select); coding-DNA position 53, C replaced by T.
Protein change: p.Thr18Ile; replaces threonine 18 with isoleucine.
Molecular consequence: missense variant.
Genome position (GRCh38, 1-based): chr13:20,189,529, G>A on the plus strand (C>T on the coding strand, the complement: GJB2 is on the minus strand). VCF-style: chr13-20189529-G-A. GRCh37 (hg19) VCF-style: chr13-20763668-G-A.
Other names: short protein forms T18I.
Identifiers: ClinVar variation 4687910 (VCV004687910.1).

ClinVar aggregate classification (germline): Likely pathogenic (1 of 4 stars; one submission).

Conditions:
Autosomal dominant nonsyndromic hearing loss 3A. Identifiers: Orphanet 90635, MedGen C2675750, MONDO:0011103, OMIM 601544.

Submission:

Human Genetics Bochum, Ruhr University Bochum
Classification: Likely pathogenic for Autosomal dominant nonsyndromic hearing loss 3A. Last evaluated: 2025-03-31. Review status: criteria provided, single submitter. Criteria: ACMG Guidelines, 2015. Collection method: clinical testing. Allele origin: germline. Affected: yes.
Comment: ACMG criteria used to clasify this variant: PP3_STR, PM1, PM2_SUP, PP2